The following is an entry in ClinVar:

NM_005157.6(ABL1):c.2029G>A (p.Gly677Arg)

Gene: ABL1 (ABL proto-oncogene 1, non-receptor tyrosine kinase; plus strand). Cytogenetic location: 9q34.12.
Variant type: single nucleotide variant.
Coding change: c.2029G>A on transcript NM_005157.6 (MANE Select); coding-DNA position 2029, G replaced by A.
Protein change: p.Gly677Arg; replaces glycine 677 with arginine.
Molecular consequence: missense variant.
Genome position (GRCh38, 1-based): chr9:130,884,319, G>A. VCF-style: chr9-130884319-G-A. GRCh37 (hg19) VCF-style: chr9-133759706-G-A.
Other names: c.2086G>A, p.Gly696Arg (NM_007313.3); c.2086G>A (NM_007313.2); short protein forms G677R, G696R.
Identifiers: ClinVar variation 1368017 (VCV001368017.7), dbSNP rs564161762, ClinGen allele CA5285609.

ClinVar aggregate classification (germline): Uncertain significance. Review status: criteria provided, multiple submitters, no conflicts (2 of 4 stars). 2 submissions from 2 submitters: Uncertain significance (2). Last evaluated 2025-02-06.

Conditions:
Inborn genetic diseases. Identifiers: MedGen C0950123, MeSH D030342.

Allele frequency attached by ClinVar (database versions not stated): ExAC 0.00001; gnomAD 0.00002 and 0.00003; TOPMed 0.00002; 1000 Genomes Project 30x 0.00016; 1000 Genomes Project 0.00020.
gnomAD v4.1: 11 of 1,610,610 alleles (0.00068%); highest among the groups gnomAD compares: African/African-American, 0.0067%; no homozygotes.

Submissions (2):

Ambry Genetics
Classification: Uncertain significance for Inborn genetic diseases. Last evaluated: 2025-02-06. Review status: criteria provided, single submitter. Criteria: Ambry Variant Classification Scheme 2023. Collection method: clinical testing. Allele origin: germline.

Labcorp Genetics (formerly Invitae), Labcorp
Classification: Uncertain significance. Last evaluated: 2022-06-05. Review status: criteria provided, single submitter. Criteria: Invitae Variant Classification Sherloc (09022015). Collection method: clinical testing. Allele origin: germline.
Comment: ClinVar contains an entry for this variant (Variation ID: 1368017). This variant has not been reported in the literature in individuals affected with ABL1-related conditions. This variant is present in population databases (rs564161762, gnomAD 0.01%). This sequence change replaces glycine, which is neutral and non-polar, with arginine, which is basic and polar, at codon 696 of the ABL1 protein (p.Gly696Arg). Advanced modeling of protein sequence and biophysical properties (such as structural, functional, and spatial information, amino acid conservation, physicochemical variation, residue mobility, and thermodynamic stability) performed at Invitae indicates that this missense variant is not expected to disrupt ABL1 protein function. In summary, the available evidence is currently insufficient to determine the role of this variant in disease. Therefore, it has been classified as a Variant of Uncertain Significance.